The following is an entry in ClinVar:

NM_004758.4(TSPOAP1):c.862C>G (p.Leu288Val)

Genes: TSPOAP1 (TSPO associated protein 1; minus strand), LOC130061275 (ATAC-STARR-seq lymphoblastoid silent region 8763; plus strand). Cytogenetic location: 17q22.
Variant type: single nucleotide variant.
Coding change: c.862C>G on transcript NM_004758.4 (MANE Select); coding-DNA position 862, C replaced by G.
Protein change: p.Leu288Val; replaces leucine 288 with valine.
Molecular consequence: missense variant.
Genome position (GRCh38, 1-based): chr17:58,324,891, G>C on the plus strand (C>G on the coding strand, the complement: TSPOAP1 is on the minus strand). VCF-style: chr17-58324891-G-C. GRCh37 (hg19) VCF-style: chr17-56402252-G-C.
Other names: c.862C>G, p.Leu288Val (NM_001261835.2); c.682C>G, p.Leu228Val (NM_024418.3); short protein forms L228V, L288V.
Identifiers: ClinVar variation 4821382 (VCV004821382.4).

ClinVar aggregate classification (germline): Likely benign (1 of 4 stars; one submission).

gnomAD v4.1: 310 of 1,532,976 alleles (0.02%); highest among the groups gnomAD compares: Non-Finnish European, 0.0045%; 2 homozygotes.

Submission:

CeGaT Center for Human Genetics Tuebingen
Classification: Likely benign. Last evaluated: 2026-01-01. Review status: criteria provided, single submitter. Criteria: CeGaT Center For Human Genetics Tuebingen Variant Classification Criteria Version 2. Collection method: clinical testing. Allele origin: germline. Affected: yes. Observed: 1 variant allele.
Comment: TSPOAP1: BS2